The following is an entry in ClinVar:

ClinVar aggregate classification (germline): Likely pathogenic (1 of 4 stars; one submission).

Conditions:
Hereditary lymphedema type I (LMPHM1). Also called: Milroy Disease; Nonne-Milroy disease; Congenital hereditary lymphedema; Early onset lymphedema; Hereditary lymphedema 1; Primary congenital lymphedema. Identifiers: Orphanet 79452, MedGen C1704423, MONDO:0007919, OMIM 153100.

Submission:

Clinical Genetics Laboratory, Skane University Hospital Lund
Classification: Likely pathogenic for Hereditary lymphedema type I. Last evaluated: 2025-12-01. Review status: criteria provided, single submitter. Criteria: ACMG Guidelines, 2015. Collection method: clinical testing. Allele origin: germline. Affected: yes.
Comment: ACMG criteria used: PM2, PM5, PP3 and PP4_Strong

NM_182925.5(FLT4):c.3410C>G (p.Pro1137Arg)

Gene: FLT4 (fms related receptor tyrosine kinase 4; minus strand). Cytogenetic location: 5q35.3.
Variant type: single nucleotide variant.
Coding change: c.3410C>G on transcript NM_182925.5 (MANE Select); coding-DNA position 3410, C replaced by G.
Protein change: p.Pro1137Arg; replaces proline 1137 with arginine.
Molecular consequence: missense variant.
Genome position (GRCh38, 1-based): chr5:180,613,032, G>C on the plus strand (C>G on the coding strand, the complement: FLT4 is on the minus strand). VCF-style: chr5-180613032-G-C. GRCh37 (hg19) VCF-style: chr5-180040032-G-C.
Other names: c.3410C>G, p.Pro1137Arg (NM_001354989.2, NM_002020.5); short protein forms P1137R.
Identifiers: ClinVar variation 4532241 (VCV004532241.1).
Genomic context (GRCh38, chr5:180,613,032, plus strand): 5'-TGCTGTCCCCAAAACCTGCAGGGCCATGGGGAGGCTCACATGGCGGGAGTGGCCAGCTCC[G>C]GGGCCCTCATCCTTGTGCCGTCTCTCAGCCGCTGGCAGAACTCCTCATTGATCTGCACCC-3'
Protein context (NP_891555.2, residues 1127-1147): RLRDGTRMRA[Pro1137Arg]ELATPAIRRI